The following is an entry in ClinVar:

ClinVar aggregate classification (germline): Uncertain significance. Review status: criteria provided, multiple submitters, no conflicts (2 of 4 stars). 2 submissions from 2 submitters: Uncertain significance (2). Last evaluated 2024-10-21.

Conditions:
Hereditary breast ovarian cancer syndrome. Also called: Hereditary breast and ovarian cancer syndrome; Hereditary breast and ovarian cancer; Hereditary breast and ovarian cancer syndrome (HBOC); Breast and ovarian cancer; Hereditary breast and/or ovarian cancer syndrome; BRCA1- and BRCA2-Associated Hereditary Breast and Ovarian Cancer. Identifiers: Orphanet 145, MedGen C0677776, MeSH D061325, MONDO:0003582. Disease mechanism: loss of function.
Familial cancer of breast. Also called: BREAST CANCER, FAMILIAL; Hereditary breast cancer; hereditary breast carcinoma. Identifiers: Orphanet 227535, MedGen C0346153, MONDO:0016419, OMIM 114480. Disease mechanism: loss of function.

Allele frequency attached by ClinVar (database versions not stated): TOPMed below 0.00001; gnomAD 0.00001.

Submissions (2):

Labcorp Genetics (formerly Invitae), Labcorp
Classification: Uncertain significance for Hereditary breast ovarian cancer syndrome. Last evaluated: 2024-10-21. Review status: criteria provided, single submitter. Criteria: Invitae Variant Classification Sherloc (09022015). Collection method: clinical testing. Allele origin: germline.
Comment: This sequence change replaces lysine, which is basic and polar, with glutamic acid, which is acidic and polar, at codon 2833 of the BRCA2 protein (p.Lys2833Glu). This variant is not present in population databases (gnomAD no frequency). This variant has not been reported in the literature in individuals affected with BRCA2-related conditions. Invitae Evidence Modeling of protein sequence and biophysical properties (such as structural, functional, and spatial information, amino acid conservation, physicochemical variation, residue mobility, and thermodynamic stability) indicates that this missense variant is not expected to disrupt BRCA2 protein function with a negative predictive value of 95%. In summary, the available evidence is currently insufficient to determine the role of this variant in disease. Therefore, it has been classified as a Variant of Uncertain Significance.

Baylor Genetics
Classification: Uncertain significance for Familial cancer of breast. Last evaluated: 2024-02-07. Review status: criteria provided, single submitter. Criteria: ACMG Guidelines, 2015. Collection method: clinical testing. Allele origin: unknown.

NM_000059.4(BRCA2):c.8497A>G (p.Lys2833Glu)

Gene: BRCA2 (BRCA2 DNA repair associated; plus strand). Cytogenetic location: 13q13.1.
Variant type: single nucleotide variant.
Coding change: c.8497A>G on transcript NM_000059.4 (MANE Select); coding-DNA position 8497, A replaced by G.
Protein change: p.Lys2833Glu; replaces lysine 2833 with glutamic acid.
Molecular consequence: missense variant. On other transcripts: non-coding transcript variant (1).
Genome position (GRCh38, 1-based): chr13:32,370,965, A>G. VCF-style: chr13-32370965-A-G. GRCh37 (hg19) VCF-style: chr13-32945102-A-G.
Other names: c.8401A>G, p.Lys2801Glu (NM_001406719.1); c.8497A>G, p.Lys2833Glu (NM_001406720.1); c.3565A>G, p.Lys1189Glu (NM_001406721.1); c.2080A>G, p.Lys694Glu (NM_001406722.1); short protein forms K1189E, K2801E, K2833E, K694E.
Identifiers: ClinVar variation 3240952 (VCV003240952.3), dbSNP rs1555287732.